The following is an entry in ClinVar:

NM_005901.6(SMAD2):c.816A>G (p.Ala272=)

Gene: SMAD2 (SMAD family member 2; minus strand). Cytogenetic location: 18q21.1.
Variant type: single nucleotide variant.
Coding change: c.816A>G on transcript NM_005901.6 (MANE Select); coding-DNA position 816, A replaced by G.
Protein change: p.Ala272=; no amino-acid change (alanine 272 retained).
Molecular consequence: synonymous variant.
Genome position (GRCh38, 1-based): chr18:47,848,656, T>C on the plus strand (A>G on the coding strand, the complement: SMAD2 is on the minus strand). VCF-style: chr18-47848656-T-C. GRCh37 (hg19) VCF-style: chr18-45375027-T-C.
Other names: c.816A>G, p.Ala272= (NM_001003652.4); c.726A>G, p.Ala242= (NM_001135937.3).
Identifiers: ClinVar variation 3772438 (VCV003772438.13).

ClinVar aggregate classification (germline): Likely benign (1 of 4 stars; one submission).

Submission:

CeGaT Center for Human Genetics Tuebingen
Classification: Likely benign. Last evaluated: 2025-02-01. Review status: criteria provided, single submitter. Criteria: CeGaT Center For Human Genetics Tuebingen Variant Classification Criteria Version 2. Collection method: clinical testing. Allele origin: germline. Affected: yes. Observed: 1 variant allele.
Comment: SMAD2: PM2:Supporting, BP4, BP7